The following is an entry in ClinVar:

ClinVar aggregate classification (germline): Uncertain significance. Review status: criteria provided, multiple submitters, no conflicts (2 of 4 stars). 2 submissions from 2 submitters: Uncertain significance (2). Last evaluated 2025-03-04.

Conditions:
Brugada syndrome. Also called: Sudden unexpected nocturnal death syndrome; Sudden Unexplained Death Syndrome; Sudden Unexplained Nocturnal Death Syndrome (SUNDS); Sudden unexplained nocturnal death syndrome. Identifiers: Orphanet 130, MedGen C1142166, MONDO:0015263.

Allele frequency attached by ClinVar (database versions not stated): gnomAD exomes below 0.00001.
gnomAD v4.1: 1 of 1,614,122 alleles (0.000062%); highest among the groups gnomAD compares: Admixed American, 0.0017%; no homozygotes.

Submissions (2):

Ambry Genetics
Classification: Uncertain significance. Last evaluated: 2025-03-04. Review status: criteria provided, single submitter. Criteria: Ambry Variant Classification Scheme 2023. Collection method: clinical testing. Allele origin: germline.

Labcorp Genetics (formerly Invitae), Labcorp
Classification: Uncertain significance for Brugada syndrome. Last evaluated: 2023-08-11. Review status: criteria provided, single submitter. Criteria: Invitae Variant Classification Sherloc (09022015). Collection method: clinical testing. Allele origin: germline.
Comment: In summary, the available evidence is currently insufficient to determine the role of this variant in disease. Therefore, it has been classified as a Variant of Uncertain Significance. Algorithms developed to predict the effect of sequence changes on RNA splicing suggest that this variant may create or strengthen a splice site. An algorithm developed to predict the effect of missense changes on protein structure and function (PolyPhen-2) suggests that this variant is likely to be disruptive. ClinVar contains an entry for this variant (Variation ID: 1910453). This variant has not been reported in the literature in individuals affected with SLMAP-related conditions. This variant is not present in population databases (gnomAD no frequency). This sequence change replaces leucine, which is neutral and non-polar, with phenylalanine, which is neutral and non-polar, at codon 568 of the SLMAP protein (p.Leu568Phe).

NM_001377540.1(SLMAP):c.1806G>T (p.Leu602Phe)

Gene: SLMAP (sarcolemma associated protein; plus strand). Cytogenetic location: 3p14.3.
Variant type: single nucleotide variant.
Coding change: c.1806G>T on transcript NM_001377540.1 (MANE Select); coding-DNA position 1806, G replaced by T.
Protein change: p.Leu602Phe; replaces leucine 602 with phenylalanine.
Molecular consequence: missense variant. On other transcripts: non-coding transcript variant (1).
Genome position (GRCh38, 1-based): chr3:57,912,487, G>T. VCF-style: chr3-57912487-G-T. GRCh37 (hg19) VCF-style: chr3-57898214-G-T.
Other names: c.1755G>T, p.Leu585Phe (NM_001304420.3, NM_001377541.1, NM_001377542.1); c.1641G>T, p.Leu547Phe (NM_001304421.2, NM_001377557.1, NM_001377559.1); c.357G>T, p.Leu119Phe (NM_001304422.3, NM_001311178.2); c.159G>T, p.Leu53Phe (NM_001304423.3); c.234G>T, p.Leu78Phe (NM_001311179.2, NM_001377926.1, NM_001377927.1 and 1 more transcripts); c.1827G>T, p.Leu609Phe (NM_001377538.1); c.1806G>T, p.Leu602Phe (NM_001377539.1); c.1743G>T, p.Leu581Phe (NM_001377545.1); and 9 more; short protein forms L119F, L540F, L561F, L564F, L568F, L581F, L78F, L527F.
Identifiers: ClinVar variation 1910453 (VCV001910453.6), dbSNP rs2096722871, ClinGen allele CA353408370.